The following is an entry in ClinVar:

ClinVar aggregate classification (germline): Uncertain significance. Review status: criteria provided, multiple submitters, no conflicts (2 of 4 stars). 5 submissions from 5 submitters: Uncertain significance (5). Last evaluated 2026-01-22.

Conditions:
Inborn genetic diseases. Identifiers: MedGen C0950123, MeSH D030342.
Lethal osteosclerotic bone dysplasia (RNS). Also called: Osteomalacia, sclerosing, with cerebral calcification. Identifiers: Orphanet 1832, MedGen C1850106, MONDO:0009821, OMIM 259775.

Allele frequency attached by ClinVar (database versions not stated): 1000 Genomes Project 30x 0.00031.
gnomAD v4.1: 1,159 of 1,534,430 alleles (0.076%); highest among the groups gnomAD compares: Non-Finnish European, 0.093%; no homozygotes.

Submissions (5):

Labcorp Genetics (formerly Invitae), Labcorp
Classification: Uncertain significance. Last evaluated: 2026-01-22. Review status: criteria provided, single submitter. Criteria: Invitae Variant Classification Sherloc (09022015). Collection method: clinical testing. Allele origin: germline.
Comment: This sequence change replaces asparagine, which is neutral and polar, with histidine, which is basic and polar, at codon 564 of the FAM20C protein (p.Asn564His). This variant is present in population databases (rs36139924, gnomAD 0.09%), and has an allele count higher than expected for a pathogenic variant. This variant has not been reported in the literature in individuals affected with FAM20C-related conditions. ClinVar contains an entry for this variant (Variation ID: 935951). Invitae Evidence Modeling of protein sequence and biophysical properties (such as structural, functional, and spatial information, amino acid conservation, physicochemical variation, residue mobility, and thermodynamic stability) indicates that this missense variant is not expected to disrupt FAM20C protein function with a negative predictive value of 80%. In summary, the available evidence is currently insufficient to determine the role of this variant in disease. Therefore, it has been classified as a Variant of Uncertain Significance.

CeGaT Center for Human Genetics Tuebingen
Classification: Uncertain significance. Last evaluated: 2024-05-01. Review status: criteria provided, single submitter. Criteria: CeGaT Center For Human Genetics Tuebingen Variant Classification Criteria Version 2. Collection method: clinical testing. Allele origin: germline. Affected: yes. Observed: 1 variant allele.

Ambry Genetics
Classification: Uncertain significance for Inborn genetic diseases. Last evaluated: 2022-05-27. Review status: criteria provided, single submitter. Criteria: Ambry Variant Classification Scheme 2023. Collection method: clinical testing. Allele origin: germline.

Fulgent Genetics
Classification: Uncertain significance for Lethal osteosclerotic bone dysplasia. Last evaluated: 2021-08-20. Review status: criteria provided, single submitter. Criteria: ACMG Guidelines, 2015. Collection method: clinical testing. Allele origin: unknown.

Department of Pathology and Laboratory Medicine, Sinai Health System
Classification: Uncertain significance for Lethal osteosclerotic bone dysplasia. Last evaluated: 2021-07-30. Review status: criteria provided, single submitter. Criteria: ACMG Guidelines, 2015. Collection method: research. Allele origin: germline.

NM_020223.4(FAM20C):c.1690A>C (p.Asn564His)

Gene: FAM20C (FAM20C golgi associated secretory pathway kinase; plus strand). Cytogenetic location: 7p22.3.
Variant type: single nucleotide variant.
Coding change: c.1690A>C on transcript NM_020223.4 (MANE Select); coding-DNA position 1690, A replaced by C.
Protein change: p.Asn564His; replaces asparagine 564 with histidine.
Molecular consequence: missense variant.
Genome position (GRCh38, 1-based): chr7:259,915, A>C. VCF-style: chr7-259915-A-C. GRCh37 (hg19) VCF-style: chr7-299881-A-C.
Other names: c.1690A>C (NM_020223.2); short protein forms N564H.
Identifiers: ClinVar variation 935951 (VCV000935951.27), dbSNP rs36139924, ClinGen allele CA4109222.